The following is an entry in ClinVar:

ClinVar aggregate classification (germline): Uncertain significance (1 of 4 stars; one submission).

Submission:

Ambry Genetics
Classification: Uncertain significance. Last evaluated: 2021-12-06. Review status: criteria provided, single submitter. Criteria: Ambry Variant Classification Scheme 2023. Collection method: clinical testing. Allele origin: germline.
Comment: The p.V685D variant (also known as c.2054T>A), located in coding exon 13 of the NPAT gene, results from a T to A substitution at nucleotide position 2054. The valine at codon 685 is replaced by aspartic acid, an amino acid with highly dissimilar properties. This amino acid position is conserved. In addition, this alteration is predicted to be tolerated by in silico analysis. Since supporting evidence is limited at this time, the clinical significance of this alteration remains unclear.

NM_002519.3(NPAT):c.2054T>A (p.Val685Asp)

Gene: NPAT (nuclear protein, coactivator of histone transcription; minus strand). Cytogenetic location: 11q22.3.
Variant type: single nucleotide variant.
Coding change: c.2054T>A on transcript NM_002519.3 (MANE Select); coding-DNA position 2054, T replaced by A.
Protein change: p.Val685Asp; replaces valine 685 with aspartic acid.
Molecular consequence: missense variant.
Genome position (GRCh38, 1-based): chr11:108,172,930, A>T on the plus strand (T>A on the coding strand, the complement: NPAT is on the minus strand). VCF-style: chr11-108172930-A-T. GRCh37 (hg19) VCF-style: chr11-108043657-A-T.
Other names: c.2054T>A, p.Val685Asp (NM_001321307.1); short protein forms V685D.
Identifiers: ClinVar variation 1785113 (VCV001785113.2), dbSNP rs749067330, ClinGen allele CA382513778.
Genomic context (GRCh38, chr11:108,172,930, plus strand): 5'-GATTCTGGAGGAAGAGAGTGACTGTTTTCTACAGGAGTGCCTTCTGGAGGCGTCAGTGCA[A>T]CTTTCTCACAGTTAGCATTTCCACCTAAAGAGAGAAAAATAGTATTCTCTTCTTTTACAG-3'
Protein context (NP_002510.2, residues 675-695): SLGGNANCEK[Val685Asp]ALTPPEGTPV